The following is an entry in ClinVar:

ClinVar aggregate classification (germline): Uncertain significance (1 of 4 stars; one submission).

Conditions:
Hereditary cancer-predisposing syndrome. Also called: Hereditary Cancer Syndrome; Hereditary neoplastic syndrome; Neoplastic Syndromes, Hereditary; Tumor predisposition. Identifiers: Orphanet 140162, MedGen C0027672, MeSH D009386, MONDO:0015356.

Submission:

Ambry Genetics
Classification: Uncertain significance for Hereditary cancer-predisposing syndrome. Last evaluated: 2022-09-25. Review status: criteria provided, single submitter. Criteria: Ambry Variant Classification Scheme 2023. Collection method: clinical testing. Allele origin: germline.
Comment: The p.D478Y variant (also known as c.1432G>T), located in coding exon 13 of the FANCC gene, results from a G to T substitution at nucleotide position 1432. The aspartic acid at codon 478 is replaced by tyrosine, an amino acid with highly dissimilar properties. This amino acid position is conserved. In addition, this alteration is predicted to be tolerated by in silico analysis. Since supporting evidence is limited at this time, the clinical significance of this alteration remains unclear.

NM_000136.3(FANCC):c.1432G>T (p.Asp478Tyr)

Genes: FANCC (FA complementation group C; minus strand), AOPEP (aminopeptidase O (putative); plus strand). Cytogenetic location: 9q22.32.
Variant type: single nucleotide variant.
Coding change: c.1432G>T on transcript NM_000136.3 (MANE Select); coding-DNA position 1432, G replaced by T.
Protein change: p.Asp478Tyr; replaces aspartic acid 478 with tyrosine.
Molecular consequence: missense variant.
Genome position (GRCh38, 1-based): chr9:95,107,167, C>A on the plus strand (G>T on the coding strand, the complement: FANCC is on the minus strand). VCF-style: chr9-95107167-C-A. GRCh37 (hg19) VCF-style: chr9-97869449-C-A.
Other names: c.1432G>T, p.Asp478Tyr (NM_001243743.2); short protein forms D478Y.
Identifiers: ClinVar variation 1772537 (VCV001772537.2), dbSNP rs2071513123, ClinGen allele CA374105959.